The following is an entry in ClinVar:

NM_001235.5(SERPINH1):c.739G>A (p.Asp247Asn)

Gene: SERPINH1 (serpin family H member 1; plus strand). Cytogenetic location: 11q13.5.
Variant type: single nucleotide variant.
Coding change: c.739G>A on transcript NM_001235.5 (MANE Select); coding-DNA position 739, G replaced by A.
Protein change: p.Asp247Asn; replaces aspartic acid 247 with asparagine.
Molecular consequence: missense variant.
Genome position (GRCh38, 1-based): chr11:75,568,956, G>A. VCF-style: chr11-75568956-G-A. GRCh37 (hg19) VCF-style: chr11-75280001-G-A.
Other names: c.739G>A, p.Asp247Asn (NM_001207014.3); short protein forms D247N.
Identifiers: ClinVar variation 1377217 (VCV001377217.5), dbSNP rs753734711, ClinGen allele CA6190916.
Genomic context (GRCh38, chr11:75,568,956, plus strand): 5'-CCTGCACACAGGGTGCCCAGTGTCCTTTCCGCTCCTCTCCCAGGCCTCTACAACTACTAC[G>A]ACGACGAGAAGGAAAAGCTGCAAATCGTGGAGATGCCCCTGGCCCACAAGCTCTCCAGCC-3'
Protein context (NP_001226.2, residues 237-257): MHRTGLYNYY[Asp247Asn]DEKEKLQIVE

ClinVar aggregate classification (germline): Uncertain significance (1 of 4 stars; one submission).

Allele frequency attached by ClinVar (database versions not stated): ExAC 0.00001; gnomAD exomes 0.00001; gnomAD 0.00004 and 0.00005; TOPMed 0.00004.
gnomAD v4.1: 25 of 1,613,816 alleles (0.0015%); highest among the groups gnomAD compares: Non-Finnish European, 0.0021%; no homozygotes.

Submission:

Labcorp Genetics (formerly Invitae), Labcorp
Classification: Uncertain significance. Last evaluated: 2022-05-29. Review status: criteria provided, single submitter. Criteria: Invitae Variant Classification Sherloc (09022015). Collection method: clinical testing. Allele origin: germline.
Comment: This sequence change replaces aspartic acid, which is acidic and polar, with asparagine, which is neutral and polar, at codon 247 of the SERPINH1 protein (p.Asp247Asn). This variant is present in population databases (rs753734711, gnomAD 0.004%). This variant has not been reported in the literature in individuals affected with SERPINH1-related conditions. ClinVar contains an entry for this variant (Variation ID: 1377217). Advanced modeling of protein sequence and biophysical properties (such as structural, functional, and spatial information, amino acid conservation, physicochemical variation, residue mobility, and thermodynamic stability) performed at Invitae indicates that this missense variant is not expected to disrupt SERPINH1 protein function. In summary, the available evidence is currently insufficient to determine the role of this variant in disease. Therefore, it has been classified as a Variant of Uncertain Significance.